The following is an entry in ClinVar:

NM_003486.7(SLC7A5):c.17C>T (p.Pro6Leu)

Gene: SLC7A5 (solute carrier family 7 member 5; minus strand). Cytogenetic location: 16q24.2.
Variant type: single nucleotide variant.
Coding change: c.17C>T on transcript NM_003486.7 (MANE Select); coding-DNA position 17, C replaced by T.
Protein change: p.Pro6Leu; replaces proline 6 with leucine.
Molecular consequence: missense variant.
Genome position (GRCh38, 1-based): chr16:87,869,406, G>A on the plus strand (C>T on the coding strand, the complement: SLC7A5 is on the minus strand). VCF-style: chr16-87869406-G-A. GRCh37 (hg19) VCF-style: chr16-87903012-G-A.
Other names: short protein forms P6L.
Identifiers: ClinVar variation 3044393 (VCV003044393.2), dbSNP rs33983951, ClinGen allele CA8223186.
Genomic context (GRCh38, chr16:87,869,406, plus strand): 5'-ATCTTCTCCCGCGCCTCTTCCTTCTCCTCGGCCGCCGGCGCCGCTAGCGCGCGCCGCTTC[G>A]GGCCCGCACCCGCCATGCTCTGCGCACCGGCCGGGCCTGGGACACCCGGGAGCCGCGGCC-3'
Protein context (NP_003477.4, residues 1-16): MAGAG[Pro6Leu]KRRALAAPAA

ClinVar aggregate classification (germline): Benign (0 of 4 stars; one submission).

Conditions:
SLC7A5-related disorder. Also called: SLC7A5-related condition.

Allele frequency attached by ClinVar (database versions not stated): 1000 Genomes Project 0.00619; 1000 Genomes Project 30x 0.00671.
gnomAD v4.1: 1,294 of 1,501,850 alleles (0.086%); highest among the groups gnomAD compares: African/African-American, 1.5%; 9 homozygotes.

Submission:

PreventionGenetics, part of Exact Sciences
Classification: Benign for SLC7A5-related condition. Last evaluated: 2019-02-19. Review status: no assertion criteria provided. Collection method: clinical testing. Allele origin: germline.
Comment: This variant is classified as benign based on ACMG/AMP sequence variant interpretation guidelines (Richards et al. 2015 PMID: 25741868, with internal and published modifications).